The following is an entry in ClinVar:

NM_025114.4(CEP290):c.6769C>T (p.Gln2257Ter)

Gene: CEP290 (centrosomal protein 290; minus strand). Cytogenetic location: 12q21.32.
Variant type: single nucleotide variant.
Coding change: c.6769C>T on transcript NM_025114.4 (MANE Select); coding-DNA position 6769, C replaced by T.
Protein change: p.Gln2257Ter; replaces glutamine 2257 with a stop codon.
Molecular consequence: nonsense.
Genome position (GRCh38, 1-based): chr12:88,058,897, G>A on the plus strand (C>T on the coding strand, the complement: CEP290 is on the minus strand). VCF-style: chr12-88058897-G-A. GRCh37 (hg19) VCF-style: chr12-88452674-G-A.
Other names: short protein forms Q2257*.
Identifiers: ClinVar variation 1436801 (VCV001436801.6), dbSNP rs2136704614, ClinGen allele CA385977365.

ClinVar aggregate classification (germline): Pathogenic (1 of 4 stars; one submission).

Conditions:
Joubert syndrome. Also called: CEREBELLOPARENCHYMAL DISORDER IV; JOUBERT-BOLTSHAUSER SYNDROME; Familial aplasia of the vermis. Identifiers: Orphanet 475, MedGen C5979921, MONDO:0018772.
Nephronophthisis. Also called: Juvenile Nephronophthisis. Identifiers: Orphanet 655, MedGen C0687120, MONDO:0019005, HP:0000090.
Meckel-Gruber syndrome. Also called: DYSENCEPHALIA SPLANCHNOCYSTICA; GRUBER SYNDROME; Dysencephalia splachnocystica. Identifiers: Orphanet 564, MedGen C0265215, MONDO:0018921.

Allele frequency attached by ClinVar (database versions not stated): gnomAD exomes 0.00001.
gnomAD v4.1: 11 of 1,613,958 alleles (0.00068%); highest among the groups gnomAD compares: Non-Finnish European, 0.00093%; no homozygotes.

Submission:

Labcorp Genetics (formerly Invitae), Labcorp
Classification: Pathogenic for Joubert syndrome; Meckel-Gruber syndrome; Nephronophthisis. Last evaluated: 2024-12-06. Review status: criteria provided, single submitter. Criteria: Invitae Variant Classification Sherloc (09022015). Collection method: clinical testing. Allele origin: germline.
Comment: This sequence change creates a premature translational stop signal (p.Gln2257*) in the CEP290 gene. It is expected to result in an absent or disrupted protein product. Loss-of-function variants in CEP290 are known to be pathogenic (PMID: 16909394, 17345604, 20690115). This variant is not present in population databases (gnomAD no frequency). This variant has not been reported in the literature in individuals affected with CEP290-related conditions. ClinVar contains an entry for this variant (Variation ID: 1436801). Algorithms developed to predict the effect of sequence changes on RNA splicing suggest that this variant may disrupt the consensus splice site. For these reasons, this variant has been classified as Pathogenic.

Literature cited by the submitters: PubMed 16909394; PubMed 17345604; PubMed 20690115.